The following is an entry in ClinVar:

ClinVar aggregate classification (germline): Pathogenic (1 of 4 stars; one submission).

Conditions:
Intellectual developmental disorder with seizures and language delay (IDDSELD). Identifiers: MedGen C5436574, MONDO:0033559, OMIM 619000.

Submission:

Variantyx, Inc.
Classification: Pathogenic for Intellectual developmental disorder with seizures and language delay. Last evaluated: 2025-10-20. Review status: criteria provided, single submitter. Criteria: Variantyx Assertion Criteria 2022. Collection method: clinical testing. Allele origin: de novo. Inheritance: Autosomal dominant inheritance. Affected: yes.
Comment: This is a frameshift variant in the SETD1B gene (OMIM: 611055). Pathogenic variants in this gene have been associated with autosomal dominant intellectual developmental disorder with seizures and language delay. The alteration introduces a premature termination codon in exon 6 out of 17 and is expected to result in loss of function, which is a known disease mechanism for SETD1B in this disorder (PMID: 34345025, 32546566) (PVS1). This variant is absent from control populations (PM2) and it has not been reported in individuals with SETD1B-related disorders in the databases available for review. Based on the current evidence, this variant is classified as pathogenic for autosomal dominant intellectual developmental disorder with seizures and language delay.

Literature cited by the submitters: PubMed 34345025; PubMed 32546566; PubMed 31110234; PubMed 31685013; PubMed 38313655; PubMed 38108116.

NM_001353345.2(SETD1B):c.1529dup (p.Arg511fs)

Gene: SETD1B (SET domain containing 1B, histone lysine methyltransferase; plus strand). Cytogenetic location: 12q24.31.
Variant type: Duplication.
Coding change: c.1529dup on transcript NM_001353345.2 (MANE Select); coding-DNA position 1529, one base duplicated (A; older notation c.1529dupA).
Protein change: p.Arg511fs; shifts the reading frame from arginine 511.
Molecular consequence: frameshift variant.
Genome position (GRCh38, 1-based): chr12:121,810,474, A duplicated. VCF-style (leftmost placement, unchanged base first): chr12-121810473-C-CA. GRCh37 (hg19) VCF-style: chr12-122248379-C-CA.
Other names: short protein forms R511fs.
Identifiers: ClinVar variation 4850206 (VCV004850206.1).